The following is an entry in ClinVar:

NM_000363.5(TNNI3):c.626A>C (p.Glu209Ala)

Gene: TNNI3 (troponin I3, cardiac type; minus strand). Cytogenetic location: 19q13.42.
Variant type: single nucleotide variant.
Coding change: c.626A>C on transcript NM_000363.5 (MANE Select); coding-DNA position 626, A replaced by C.
Protein change: p.Glu209Ala; replaces glutamic acid 209 with alanine.
Molecular consequence: missense variant.
Genome position (GRCh38, 1-based): chr19:55,151,841, T>G on the plus strand (A>C on the coding strand, the complement: TNNI3 is on the minus strand). VCF-style: chr19-55151841-T-G. GRCh37 (hg19) VCF-style: chr19-55663209-T-G.
Other names: c.626A>C (LRG_432t1); short protein forms E209A.
Identifiers: ClinVar variation 181595 (VCV000181595.23), dbSNP rs730881083, ClinGen allele CA022103.

ClinVar aggregate classification (germline): Conflicting classifications of pathogenicity. Review status: criteria provided, conflicting classifications (1 of 4 stars). 9 submissions from 9 submitters: Likely pathogenic (1); Uncertain significance (3). 5 of the submissions do not count toward it. Last evaluated 2025-11-11.

Conditions:
Cardiovascular phenotype. Identifiers: MedGen CN230736.
Hypertrophic cardiomyopathy 7. Also called: TNNI3-Related Familial Hypertrophic Cardiomyopathy; Familial hypertrophic cardiomyopathy 7; CARDIOMYOPATHY, FAMILIAL HYPERTROPHIC, 7, MODIFIER OF. Identifiers: MedGen C1860752, MONDO:0013369, OMIM 613690.
Hypertrophic cardiomyopathy. Also called: HYPERTROPHIC MYOCARDIOPATHY. Identifiers: Orphanet 217569, MedGen C0007194, MeSH D002312, MONDO:0005045, HP:0001639.

Allele frequency attached by ClinVar (database versions not stated): TOPMed 0.00001.

Submissions (9):

Institute of Human Genetics, University of Leipzig Medical Center
Classification: Likely pathogenic for Hypertrophic cardiomyopathy 7. Last evaluated: 2025-11-11. Review status: criteria provided, single submitter. Criteria: ACMG Guidelines, 2015. Collection method: clinical testing. Allele origin: unknown. Inheritance: Autosomal dominant inheritance. Affected: yes.
Comment: Criteria applied: PS4_MOD,PM1,PM2_SUP,PP3

Labcorp Genetics (formerly Invitae), Labcorp
Classification: Uncertain significance for Hypertrophic cardiomyopathy. Last evaluated: 2025-07-03. Review status: criteria provided, single submitter. Criteria: Invitae Variant Classification Sherloc (09022015). Collection method: clinical testing. Allele origin: germline.
Comment: This sequence change replaces glutamic acid, which is acidic and polar, with alanine, which is neutral and non-polar, at codon 209 of the TNNI3 protein (p.Glu209Ala). This variant is not present in population databases (gnomAD no frequency). This missense change has been observed in individual(s) with TNNI3-related conditions (PMID: 21533915, 27532257, 37652022). ClinVar contains an entry for this variant (Variation ID: 181595). An algorithm developed to predict the effect of missense changes on protein structure and function (PolyPhen-2) suggests that this variant is likely to be disruptive. In summary, the available evidence is currently insufficient to determine the role of this variant in disease. Therefore, it has been classified as a Variant of Uncertain Significance.

Ambry Genetics
Classification: Uncertain significance for Cardiovascular phenotype. Last evaluated: 2024-09-09. Review status: criteria provided, single submitter. Criteria: Ambry Variant Classification Scheme 2023. Collection method: clinical testing. Allele origin: germline.
Comment: The p.E209A variant (also known as c.626A>C), located in coding exon 8 of the TNNI3 gene, results from an A to C substitution at nucleotide position 626. The glutamic acid at codon 209 is replaced by alanine, an amino acid with dissimilar properties. This alteration has been reported in a subject with features of restrictive cardiomyopathy and hypertrophic cardiomyopathy (HCM) cohorts (van den Wijngaard A et al. Neth Heart J, 2011 Aug;19:344-51; Walsh R et al. Genet Med, 2017 02;19:192-203; Marschall C et al. Cardiovasc Diagn Ther, 2019 Oct;9:S292-S298; van Lint FHM et al. Neth Heart J, 2019 Jun;27:304-309). This amino acid position is highly conserved in available vertebrate species. In addition, this alteration is predicted to be deleterious by in silico analysis. Since supporting evidence is limited at this time, the clinical significance of this alteration remains unclear.

GeneDx
Classification: Uncertain significance. Last evaluated: 2017-03-07. Review status: criteria provided, single submitter. Criteria: GeneDx Variant Classification (06012015). Collection method: clinical testing. Allele origin: germline. Affected: yes.
Comment: A variant of uncertain significance has been identified in the TNNI3 gene. The E209A variant has been reported as a possibly deleterious variant in at least 5 unrelated probands with cardiomyopathy (van den Wijngaard et al., 2011); however, familial segregation information and in vitro functional studies were not included. Nevertheless, the E209A variant is not observed in large population cohorts (Lek et al., 2016; 1000 Genomes Consortium et al., 2015; Exome Variant Server). This variant is a non-conservative amino acid substitution, which is likely to impact secondary protein structure as these residues differ in polarity, charge, size and/or other properties. Additionally, this substitution occurs at a position that is conserved in mammals. Finally, in silico analysis predicts this variant is probably damaging to the protein structure/function.

Clinical Genetics DNA and cytogenetics Diagnostics Lab, Erasmus MC, Erasmus Medical Center
Classification: Pathogenic. Review status: no assertion criteria provided. Collection method: clinical testing. Allele origin: germline. Affected: yes. Study: VKGL Data-share Consensus. Not counted in ClinVar's aggregate classification.

Clinical Genetics, Academic Medical Center
Classification: Pathogenic. Review status: no assertion criteria provided. Collection method: clinical testing. Allele origin: germline. Affected: yes. Study: VKGL Data-share Consensus. Not counted in ClinVar's aggregate classification.

Diagnostic Laboratory, Department of Genetics, University Medical Center Groningen
Classification: Pathogenic. Review status: no assertion criteria provided. Collection method: clinical testing. Allele origin: germline. Affected: yes. Study: VKGL Data-share Consensus. Not counted in ClinVar's aggregate classification.

Genome Diagnostics Laboratory, University Medical Center Utrecht
Classification: Pathogenic. Review status: no assertion criteria provided. Collection method: clinical testing. Allele origin: germline. Affected: yes. Study: VKGL Data-share Consensus. Not counted in ClinVar's aggregate classification.

Joint Genome Diagnostic Labs from Nijmegen and Maastricht, Radboudumc and MUMC+
Classification: Pathogenic. Review status: no assertion criteria provided. Collection method: clinical testing. Allele origin: germline. Affected: yes. Study: VKGL Data-share Consensus. Not counted in ClinVar's aggregate classification.

Literature cited by the submitters: PubMed 21533915 (cited by Labcorp Genetics (formerly Invitae), Labcorp and Ambry Genetics); PubMed 27532257 (cited by Labcorp Genetics (formerly Invitae), Labcorp and Ambry Genetics); PubMed 37652022 (cited by Labcorp Genetics (formerly Invitae), Labcorp); PubMed 30847666 (cited by Ambry Genetics); PubMed 31737537 (cited by Ambry Genetics); PubMed 33495596 (cited by Ambry Genetics); PubMed 33495597 (cited by Ambry Genetics).